The following is an entry in ClinVar:

ClinVar aggregate classification (germline): Conflicting classifications of pathogenicity. Review status: criteria provided, conflicting classifications (1 of 4 stars). 7 submissions from 7 submitters: Uncertain significance (4); Likely benign (1). 2 of the submissions do not count toward it. Last evaluated 2026-09-16.

Conditions:
RP1-related disorder. Also called: RP1-related condition.
Retinal dystrophy. Also called: Inherited retinal dystrophy. Identifiers: Orphanet 71862, MedGen C0854723, MeSH D058499, MONDO:0019118, HP:0000556.
Retinitis pigmentosa (RP). Identifiers: Orphanet 791, MedGen C0035334, MeSH D012174, MONDO:0019200, OMIM 268000. Inheritance: Autosomal dominant, autosomal recessive and X linked inheritance.

Allele frequency attached by ClinVar (database versions not stated): 1000 Genomes Project 30x 0.00016; 1000 Genomes Project 0.00020; TOPMed 0.00020; gnomAD 0.00021 and 0.00024; ExAC 0.00023; gnomAD exomes 0.00026; ESP Exome Variant Server 0.00031.
gnomAD v4.1: 464 of 1,613,898 alleles (0.029%); highest among the groups gnomAD compares: Non-Finnish European, 0.035%; 1 homozygote.

Submissions (7):

PreventionGenetics, part of Exact Sciences
Classification: Uncertain significance for RP1-related condition. Last evaluated: 2026-09-16. Review status: criteria provided, single submitter. Criteria: ACMG Guidelines, 2015. Collection method: clinical testing. Allele origin: germline.
Comment: The RP1 c.6055G>A variant is predicted to result in the amino acid substitution p.Gly2019Ser. To our knowledge, this variant has not been reported in the literature. This variant is reported in 0.097% of alleles in individuals of Ashkenazi Jewish descent in gnomAD. Although we suspect this variant may be benign at this time, the clinical significance of this variant is uncertain due to the absence of conclusive functional and genetic evidence.

Labcorp Genetics (formerly Invitae), Labcorp
Classification: Uncertain significance. Last evaluated: 2025-11-19. Review status: criteria provided, single submitter. Criteria: Invitae Variant Classification Sherloc (09022015). Collection method: clinical testing. Allele origin: germline.
Comment: This sequence change replaces glycine, which is neutral and non-polar, with serine, which is neutral and polar, at codon 2019 of the RP1 protein (p.Gly2019Ser). This variant is present in population databases (rs137853908, gnomAD 0.1%). This variant has not been reported in the literature in individuals affected with RP1-related conditions. ClinVar contains an entry for this variant (Variation ID: 100580). An algorithm developed to predict the effect of missense changes on protein structure and function outputs the following: PolyPhen-2: "Benign". The serine amino acid residue is found in multiple mammalian species, which suggests that this missense change does not adversely affect protein function. In summary, the available evidence is currently insufficient to determine the role of this variant in disease. Therefore, it has been classified as a Variant of Uncertain Significance.

Blueprint Genetics
Classification: Likely benign. Last evaluated: 2024-11-18. Review status: criteria provided, single submitter. Criteria: ACMG Guidelines, 2015. Collection method: clinical testing. Allele origin: germline.

Illumina Laboratory Services, Illumina
Classification: Uncertain significance for Retinitis pigmentosa. Last evaluated: 2018-01-13. Review status: criteria provided, single submitter. Criteria: ICSL Variant Classification Criteria 13 December 2019. Collection method: clinical testing. Allele origin: germline.

ARUP Laboratories, Molecular Genetics and Genomics, ARUP Laboratories
Classification: Uncertain significance. Last evaluated: 2017-06-02. Review status: criteria provided, single submitter. Criteria: ARUP Molecular Germline Variant Investigation Process. Collection method: clinical testing. Allele origin: germline.
Comment: The RP1 c.6055G>A;p.Gly2019Ser variant has not been published in the medical literature or in gene-specific databases. The variant is listed in the ClinVar database (Variation ID: 100580) and the dbSNP variant database (rs137853908) with an allele frequency of 0.0308 percent (4/12996 alleles) in the Exome Variant Server and 0.02640 percent (73/276562 alleles) in the Genome Aggregation Database. The amino acid at this position is weakly conserved across species and computational algorithms (AlignGVGD, PolyPhen2, SIFT) predict this variant is tolerated. Considering available information, the clinical significance of this variant cannot be determined with certainty. If this variant is later determined to be pathogenic, this individual is predicted to be a carrier of autosomal recessive retinitis pigmentosa or may be affected with autosomal dominant retinitis pigmentosa (OMIM#603937, Audo 2012). References: Audo I et al. RP1 and autosomal dominant rod-cone dystrophy: novel mutations, a review of published variants, and genotype-phenotype correlation. Hum Mutat. 2012 Jan;33(1):73-80.

Institute of Human Genetics, Univ. Regensburg, Univ. Regensburg
Classification: Uncertain significance for Retinal dystrophy. Last evaluated: 2022-01-01. Review status: no assertion criteria provided. Criteria: ACMG Guidelines, 2015. Collection method: clinical testing. Allele origin: germline. Affected: yes. Not counted in ClinVar's aggregate classification.

NEI Ophthalmic Genomics Laboratory, National Institutes of Health
No classification provided. Review status: no classification provided. Collection method: not provided. Allele origin: not provided. Not counted in ClinVar's aggregate classification.

NM_006269.2(RP1):c.6055G>A (p.Gly2019Ser)

Genes: RP1 (RP1 axonemal microtubule associated; plus strand), LOC126860392 (CDK7 strongly-dependent group 2 enhancer GRCh37_chr8:55541319-55542518; plus strand). Cytogenetic location: 8q12.1.
Variant type: single nucleotide variant.
Coding change: c.6055G>A on transcript NM_006269.2 (MANE Select); coding-DNA position 6055, G replaced by A.
Protein change: p.Gly2019Ser; replaces glycine 2019 with serine.
Molecular consequence: missense variant.
Genome position (GRCh38, 1-based): chr8:54,629,937, G>A. VCF-style: chr8-54629937-G-A. GRCh37 (hg19) VCF-style: chr8-55542497-G-A.
Other names: short protein forms G2019S.
Identifiers: ClinVar variation 100580 (VCV000100580.21), dbSNP rs137853908, ClinGen allele CA228915.